The following is an entry in ClinVar:

ClinVar aggregate classification (germline): Likely benign (0 of 4 stars; one submission).

Conditions:
EPPK1-related disorder. Also called: EPPK1-related condition.

Allele frequency attached by ClinVar (database versions not stated): 1000 Genomes Project 30x 0.00031; 1000 Genomes Project 0.00040.
gnomAD v4.1: 206 of 1,612,538 alleles (0.013%); highest among the groups gnomAD compares: Admixed American, 0.01%; no homozygotes.

Submission:

PreventionGenetics, part of Exact Sciences
Classification: Likely benign for EPPK1-related condition. Last evaluated: 2021-04-14. Review status: no assertion criteria provided. Collection method: clinical testing. Allele origin: germline.
Comment: This variant is classified as likely benign based on ACMG/AMP sequence variant interpretation guidelines (Richards et al. 2015 PMID: 25741868, with internal and published modifications).

NM_031308.4(EPPK1):c.4833C>T (p.Thr1611=)

Gene: EPPK1 (epiplakin 1; minus strand). Cytogenetic location: 8q24.3.
Variant type: single nucleotide variant.
Coding change: c.4833C>T on transcript NM_031308.4 (MANE Select); coding-DNA position 4833, C replaced by T.
Protein change: p.Thr1611=; no amino-acid change (threonine 1611 retained).
Molecular consequence: synonymous variant.
Genome position (GRCh38, 1-based): chr8:143,868,421, G>A on the plus strand (C>T on the coding strand, the complement: EPPK1 is on the minus strand). VCF-style: chr8-143868421-G-A. GRCh37 (hg19) VCF-style: chr8-144942589-G-A.
Identifiers: ClinVar variation 3036418 (VCV003036418.2), dbSNP rs149570635, ClinGen allele CA4922372.